The following is an entry in ClinVar:

ClinVar aggregate classification (germline): Benign. Review status: criteria provided, multiple submitters, no conflicts (2 of 4 stars). 8 submissions from 8 submitters: Benign (6). 2 of the submissions do not count toward it. Last evaluated 2026-02-04.

Conditions:
Multicentric osteolysis nodulosis arthropathy spectrum. Identifiers: Orphanet 3460, Orphanet 371428, MedGen C1850155, MONDO:0018298.

Allele frequency attached by ClinVar (database versions not stated): 1000 Genomes Project 30x 0.30137; 1000 Genomes Project 0.30391; TOPMed 0.36245; gnomAD 0.36438 and 0.36635; ESP Exome Variant Server 0.36642; ExAC 0.39504; gnomAD exomes 0.39764 and 0.43430.
gnomAD v4.1: 688,740 of 1,612,436 alleles (43%); highest among the groups gnomAD compares: Non-Finnish European, 46%; 151,212 homozygotes.

Submissions (8):

Labcorp Genetics (formerly Invitae), Labcorp
Classification: Benign. Last evaluated: 2026-02-04. Review status: criteria provided, single submitter. Criteria: Invitae Variant Classification Sherloc (09022015). Collection method: clinical testing. Allele origin: germline.

Blueprint Genetics
Classification: Benign. Last evaluated: 2024-11-27. Review status: criteria provided, single submitter. Criteria: ACMG Guidelines, 2015. Collection method: clinical testing. Allele origin: germline.

Genome-Nilou Lab
Classification: Benign for Multicentric osteolysis, nodulosis, and arthropathy. Last evaluated: 2021-09-05. Review status: criteria provided, single submitter. Criteria: ACMG Guidelines, 2015. Collection method: clinical testing. Allele origin: germline. Affected: no.

GeneDx
Classification: Benign. Last evaluated: 2018-11-12. Review status: criteria provided, single submitter. Criteria: GeneDx Variant Classification Process June 2021. Collection method: clinical testing. Allele origin: germline. Affected: yes.

Illumina Laboratory Services, Illumina
Classification: Benign for Multicentric osteolysis, nodulosis, and arthropathy. Last evaluated: 2018-01-12. Review status: criteria provided, single submitter. Criteria: ICSL Variant Classification Criteria 13 December 2019. Collection method: clinical testing. Allele origin: germline.
Comment: This variant was observed in the ICSL laboratory as part of a predisposition screen in an ostensibly healthy population. It had not been previously curated by ICSL or reported in the Human Gene Mutation Database (HGMD: prior to June 1st, 2018), and was therefore a candidate for classification through an automated scoring system. Utilizing variant allele frequency, disease prevalence and penetrance estimates, and inheritance mode, an automated score was calculated to assess if this variant is too frequent to cause the disease. Based on the score and internal cut-off values, a variant classified as benign is not then subjected to further curation. The score for this variant resulted in a classification of benign for this disease.

Breakthrough Genomics
Classification: Benign. Review status: criteria provided, single submitter. Criteria: ACMG Guidelines, 2015. Collection method: not provided. Allele origin: germline. Inheritance: Autosomal recessive inheritance. Affected: yes.

Diagnostic Laboratory, Department of Genetics, University Medical Center Groningen
Classification: Benign. Review status: no assertion criteria provided. Collection method: clinical testing. Allele origin: germline. Affected: yes. Study: VKGL Data-share Consensus. Not counted in ClinVar's aggregate classification.

Joint Genome Diagnostic Labs from Nijmegen and Maastricht, Radboudumc and MUMC+
Classification: Benign. Review status: no assertion criteria provided. Collection method: clinical testing. Allele origin: germline. Affected: yes. Study: VKGL Data-share Consensus. Not counted in ClinVar's aggregate classification.

NM_004530.6(MMP2):c.1806C>T (p.Phe602=)

Gene: MMP2 (matrix metallopeptidase 2; plus strand). Cytogenetic location: 16q12.2.
Variant type: single nucleotide variant.
Coding change: c.1806C>T on transcript NM_004530.6 (MANE Select); coding-DNA position 1806, C replaced by T.
Protein change: p.Phe602=; no amino-acid change (phenylalanine 602 retained).
Molecular consequence: synonymous variant.
Genome position (GRCh38, 1-based): chr16:55,502,815, C>T. VCF-style: chr16-55502815-C-T. GRCh37 (hg19) VCF-style: chr16-55536727-C-T.
Other names: c.1656C>T, p.Phe552= (NM_001127891.3); c.1578C>T, p.Phe526= (NM_001302508.1, NM_001302509.2, NM_001302510.2).
Identifiers: ClinVar variation 319768 (VCV000319768.25), dbSNP rs14070, ClinGen allele CA8060592.
Genomic context (GRCh38, chr16:55,502,815, plus strand): 5'-TTCACTGTGTCTGTTTCTTTACAGATACAATGAGGTGAAGAAGAAAATGGATCCTGGCTT[C>T]CCCAAGCTCATCGCAGATGCCTGGAATGCCATCCCCGATAACCTGGATGCCGTCGTGGAC-3'
Protein context (NP_004521.1, residues 592-612): NEVKKKMDPG[Phe602=]PKLIADAWNA